The following is an entry in ClinVar:

NM_015164.4(PLEKHM2):c.1052_1097del (p.Gly351fs)

Gene: PLEKHM2 (pleckstrin homology and RUN domain containing M2; plus strand). Cytogenetic location: 1p36.21.
Variant type: Deletion.
Coding change: c.1052_1097del on transcript NM_015164.4 (MANE Select); coding-DNA positions 1052 to 1097, 46 bases deleted.
Protein change: p.Gly351fs; shifts the reading frame from glycine 351.
Molecular consequence: frameshift variant.
Genome position (GRCh38, 1-based): chr1:15,727,124-15,727,169, 46 bases deleted. GRCh37 (hg19): chr1:16,053,619-16,053,664.
Other names: short protein forms G351fs.
Identifiers: ClinVar variation 1025452 (VCV001025452.6), dbSNP rs2068073260, ClinGen allele CA1155458148.

ClinVar aggregate classification (germline): Uncertain significance (1 of 4 stars; one submission).

Submission:

Labcorp Genetics (formerly Invitae), Labcorp
Classification: Uncertain significance. Last evaluated: 2020-07-24. Review status: criteria provided, single submitter. Criteria: Invitae Variant Classification Sherloc (09022015). Collection method: clinical testing. Allele origin: germline.
Comment: In summary, the available evidence is currently insufficient to determine the role of this variant in disease. Therefore, it has been classified as a Variant of Uncertain Significance. The current clinical and genetic evidence is not sufficient to establish whether loss-of-function variants in PLEKHM2 cause disease. This variant has not been reported in the literature in individuals with PLEKHM2-related conditions. This variant is not present in population databases (ExAC no frequency). This sequence change creates a premature translational stop signal (p.Gly351Alafs*29) in the PLEKHM2 gene. It is expected to result in an absent or disrupted protein product.